The following is an entry in ClinVar:

ClinVar aggregate classification (germline): Likely benign (1 of 4 stars; one submission).

Allele frequency attached by ClinVar (database versions not stated): gnomAD 0.00007; TOPMed 0.00009; gnomAD exomes 0.00014; ExAC 0.00015; 1000 Genomes Project 30x 0.00016; 1000 Genomes Project 0.00020.
gnomAD v4.1: 214 of 1,613,956 alleles (0.013%); highest among the groups gnomAD compares: South Asian, 0.057%; no homozygotes.

Submission:

CeGaT Center for Human Genetics Tuebingen
Classification: Likely benign. Last evaluated: 2023-04-01. Review status: criteria provided, single submitter. Criteria: CeGaT Center For Human Genetics Tuebingen Variant Classification Criteria Version 2. Collection method: clinical testing. Allele origin: germline. Affected: yes. Observed: 1 variant allele.
Comment: TET3: BP4, BP7

NM_001287491.2(TET3):c.3378C>T (p.Ser1126=)

Gene: TET3 (tet methylcytosine dioxygenase 3; plus strand). Cytogenetic location: 2p13.1.
Variant type: single nucleotide variant.
Coding change: c.3378C>T on transcript NM_001287491.2 (MANE Select); coding-DNA position 3378, C replaced by T.
Protein change: p.Ser1126=; no amino-acid change (serine 1126 retained).
Molecular consequence: synonymous variant.
Genome position (GRCh38, 1-based): chr2:74,099,386, C>T. VCF-style: chr2-74099386-C-T. GRCh37 (hg19) VCF-style: chr2-74326513-C-T.
Other names: c.3099C>T, p.Ser1033= (NM_001366022.1); c.2973C>T, p.Ser991= (NM_144993.1).
Identifiers: ClinVar variation 2651047 (VCV002651047.24), dbSNP rs533848745, ClinGen allele CA1718994.